The following is an entry in ClinVar:

ClinVar aggregate classification (germline): Uncertain significance (1 of 4 stars; one submission).

Conditions:
Hereditary cancer-predisposing syndrome. Also called: Neoplastic Syndromes, Hereditary; Tumor predisposition; Hereditary neoplastic syndrome; Hereditary Cancer Syndrome. Identifiers: Orphanet 140162, MedGen C0027672, MeSH D009386, MONDO:0015356.

Submission:

Ambry Genetics
Classification: Uncertain significance for Hereditary cancer-predisposing syndrome. Last evaluated: 2022-12-20. Review status: criteria provided, single submitter. Criteria: Ambry Variant Classification Scheme 2023. Collection method: clinical testing. Allele origin: germline.
Comment: The c.1072+4_1072+5dupAG intronic variant, results from a duplication of two nucleotides after position 1072+5 after intron 10 of the FANCC gene. This nucleotide region is not well conserved in available vertebrate species. In silico splice site analysis predicts that this alteration will weaken the native splice acceptor and donor sites; however, direct evidence is insufficient at this time (Ambry internal data). Since supporting evidence is limited at this time, the clinical significance of this alteration remains unclear.

NM_000136.3(FANCC):c.1072+4_1072+5dup

Genes: AOPEP (aminopeptidase O (putative); plus strand), FANCC (FA complementation group C; minus strand). Cytogenetic location: 9q22.32.
Variant type: Duplication.
Coding change: c.1072+4_1072+5dup on transcript NM_000136.3 (MANE Select); bases 4 to 5 of the intron after coding-DNA position 1072, 2 bases duplicated (AG; older notation c.1072+4_1072+5dupAG).
Molecular consequence: intron variant.
Genome position (GRCh38, 1-based): chr9:95,117,310-95,117,311, CT duplicated on the plus strand (AG on the coding strand, the reverse complement: FANCC is on the minus strand); duplicating any 2 consecutive bases within chr9:95,117,310-95,117,312 gives the same sequence; the c. name uses the placement nearest the transcript's 3' end. VCF-style (leftmost placement, unchanged base first): chr9-95117309-A-ACT. GRCh37 (hg19) VCF-style: chr9-97879591-A-ACT.
Other names: c.1072+4_1072+5dup (NM_001243743.2, NM_001243744.2).
Identifiers: ClinVar variation 2450918 (VCV002450918.2), dbSNP rs2540990606, ClinGen allele CA2580080719.
Genomic context (GRCh38, chr9:95,117,309, plus strand): 5'-GTCATAATTTGACAATGCTCTTCCCAGGAAATCATTCTGATGTGGGCAAAGTCAACCCTA[A>ACT]CTCACCTTGAGGGTCTTGCAGCAGCACCATGGCAAGAGATGGAGAAGTGTAAGGAAAGTA-3'